The following is an entry in ClinVar:

NM_032898.5(CEP19):c.5T>C (p.Met2Thr)

Gene: CEP19 (centrosomal protein 19; minus strand). Cytogenetic location: 3q29.
Variant type: single nucleotide variant.
Coding change: c.5T>C on transcript NM_032898.5 (MANE Select); coding-DNA position 5, T replaced by C.
Protein change: p.Met2Thr; replaces methionine 2 with threonine.
Molecular consequence: missense variant. On other transcripts: intron variant (1).
Genome position (GRCh38, 1-based): chr3:196,708,653, A>G on the plus strand (T>C on the coding strand, the complement: CEP19 is on the minus strand). VCF-style: chr3-196708653-A-G. GRCh37 (hg19) VCF-style: chr3-196435524-A-G.
Other names: c.5T>C, p.Met2Thr (NM_001379469.1, NM_001379470.1); c.26-741T>C (NM_001379468.1); short protein forms M2T.
Identifiers: ClinVar variation 1475757 (VCV001475757.3), dbSNP rs755223201, ClinGen allele CA2782181.

ClinVar aggregate classification (germline): Uncertain significance (1 of 4 stars; one submission).

Allele frequency attached by ClinVar (database versions not stated): ExAC 0.00001; TOPMed 0.00001; gnomAD exomes below 0.00001.
gnomAD v4.1: 2 of 1,614,030 alleles (0.00012%); highest among the groups gnomAD compares: Non-Finnish European, 0.000085%; no homozygotes.

Submission:

Labcorp Genetics (formerly Invitae), Labcorp
Classification: Uncertain significance. Last evaluated: 2021-11-01. Review status: criteria provided, single submitter. Criteria: Invitae Variant Classification Sherloc (09022015). Collection method: clinical testing. Allele origin: germline.
Comment: This sequence change replaces methionine, which is neutral and non-polar, with threonine, which is neutral and polar, at codon 6 of the CEP19 protein (p.Met6Thr). This variant is present in population databases (rs755223201, gnomAD 0.0009%). This variant has not been reported in the literature in individuals affected with CEP19-related conditions. Algorithms developed to predict the effect of missense changes on protein structure and function output the following: SIFT: "Tolerated"; PolyPhen-2: "Benign"; Align-GVGD: "Class C0". The threonine amino acid residue is found in multiple mammalian species, which suggests that this missense change does not adversely affect protein function. In summary, the available evidence is currently insufficient to determine the role of this variant in disease. Therefore, it has been classified as a Variant of Uncertain Significance.